The following is an entry in ClinVar:

ClinVar aggregate classification (germline): Uncertain significance (1 of 4 stars; one submission).

Conditions:
Hypertrophic cardiomyopathy. Also called: HYPERTROPHIC MYOCARDIOPATHY. Identifiers: Orphanet 217569, MedGen C0007194, MeSH D002312, MONDO:0005045, HP:0001639.

Submission:

All of Us Research Program, National Institutes of Health
Classification: Uncertain significance for Hypertrophic cardiomyopathy. Last evaluated: 2023-12-13. Review status: criteria provided, single submitter. Criteria: ACMG Guidelines, 2015. Collection method: clinical testing. Allele origin: germline. Inheritance: Autosomal dominant inheritance. Observed: 1 variant allele, 1 heterozygote.
Comment: This missense variant replaces alanine with valine at codon 22 of the MYBPC3 protein. Computational prediction suggests that this variant may not impact protein structure and function. To our knowledge, functional studies have not been reported for this variant. This variant has not been reported in individuals affected with MYBPC3-related disorders in the literature. This variant has not been identified in the general population by the Genome Aggregation Database (gnomAD). The available evidence is insufficient to determine the role of this variant in disease conclusively. Therefore, this variant is classified as a Variant of Uncertain Significance.

This study involves interpretation of variants in research participants for the purpose of population health screening. Participant phenotype was not available at the time of variant classification. Additional details can be found in publication PMID: 35346344, PMCID: PMC8962531

NM_000256.3(MYBPC3):c.65C>T (p.Ala22Val)

Gene: MYBPC3 (myosin binding protein C3; minus strand). Cytogenetic location: 11p11.2.
Variant type: single nucleotide variant.
Coding change: c.65C>T on transcript NM_000256.3 (MANE Select); coding-DNA position 65, C replaced by T.
Protein change: p.Ala22Val; replaces alanine 22 with valine.
Molecular consequence: missense variant.
Genome position (GRCh38, 1-based): chr11:47,351,466, G>A on the plus strand (C>T on the coding strand, the complement: MYBPC3 is on the minus strand). VCF-style: chr11-47351466-G-A. GRCh37 (hg19) VCF-style: chr11-47373017-G-A.
Other names: short protein forms A22V.
Identifiers: ClinVar variation 3074818 (VCV003074818.1), dbSNP rs2495786653, ClinGen allele CA380341996.